The following is an entry in ClinVar:

ClinVar aggregate classification (germline): Uncertain significance (1 of 4 stars; one submission).

Allele frequency attached by ClinVar (database versions not stated): gnomAD 0.00004; TOPMed 0.00007.

Submission:

Labcorp Genetics (formerly Invitae), Labcorp
Classification: Uncertain significance. Last evaluated: 2022-03-26. Review status: criteria provided, single submitter. Criteria: Invitae Variant Classification Sherloc (09022015). Collection method: clinical testing. Allele origin: germline.
Comment: This sequence change replaces alanine, which is neutral and non-polar, with threonine, which is neutral and polar, at codon 496 of the PLEKHG2 protein (p.Ala496Thr). This variant also falls at the last nucleotide of exon 15, which is part of the consensus splice site for this exon. In summary, the available evidence is currently insufficient to determine the role of this variant in disease. Therefore, it has been classified as a Variant of Uncertain Significance. Variants that disrupt the consensus splice site are a relatively common cause of aberrant splicing (PMID: 17576681, 9536098). Algorithms developed to predict the effect of sequence changes on RNA splicing suggest that this variant may disrupt the consensus splice site. Algorithms developed to predict the effect of missense changes on protein structure and function output the following: SIFT: "Tolerated"; PolyPhen-2: "Benign"; Align-GVGD: "Class C0". The threonine amino acid residue is found in multiple mammalian species, which suggests that this missense change does not adversely affect protein function. This variant has not been reported in the literature in individuals affected with PLEKHG2-related conditions. This variant is present in population databases (rs766042286, gnomAD 0.1%).

Literature cited by the submitters: PubMed 17576681; PubMed 9536098.

NM_022835.3(PLEKHG2):c.1486G>A (p.Ala496Thr)

Gene: PLEKHG2 (pleckstrin homology and RhoGEF domain containing G2; plus strand). Cytogenetic location: 19q13.2.
Variant type: single nucleotide variant.
Coding change: c.1486G>A on transcript NM_022835.3 (MANE Select); coding-DNA position 1486, G replaced by A.
Protein change: p.Ala496Thr; replaces alanine 496 with threonine.
Molecular consequence: missense variant.
Genome position (GRCh38, 1-based): chr19:39,421,113, G>A. VCF-style: chr19-39421113-G-A. GRCh37 (hg19) VCF-style: chr19-39911753-G-A.
Other names: c.1309G>A, p.Ala437Thr (NM_001351693.2); c.1486G>A, p.Ala496Thr (NM_001351694.2); short protein forms A437T, A496T.
Identifiers: ClinVar variation 2078073 (VCV002078073.4), dbSNP rs766042286, ClinGen allele CA9429535.
Genomic context (GRCh38, chr19:39,421,113, plus strand): 5'-CATCACTGTGTCCTCCCCGCAGAGCCGGTGAAGGACCCTTATGTCATGTTCCCACAGAAC[G>A]GTCAGTGACTGCCCCGGTTCAGCCTGGTCCATCCCTGTCTGTCGCCCGGTGGGATGTCTG-3'
Protein context (NP_073746.2, residues 486-506): KDPYVMFPQN[Ala496Thr]KPGFKHAGSE